The following is an entry in ClinVar:

NM_000587.4(C7):c.2044G>C (p.Glu682Gln)

Gene: C7 (complement C7; plus strand). Cytogenetic location: 5p13.1.
Variant type: single nucleotide variant.
Coding change: c.2044G>C on transcript NM_000587.4 (MANE Select); coding-DNA position 2044, G replaced by C.
Protein change: p.Glu682Gln; replaces glutamic acid 682 with glutamine.
Molecular consequence: missense variant.
Genome position (GRCh38, 1-based): chr5:40,972,564, G>C. VCF-style: chr5-40972564-G-C. GRCh37 (hg19) VCF-style: chr5-40972666-G-C.
Other names: short protein forms E682Q.
Identifiers: ClinVar variation 2203642 (VCV002203642.2), dbSNP rs541873000, ClinGen allele CA117233914.

ClinVar aggregate classification (germline): Uncertain significance (1 of 4 stars; one submission).

Allele frequency attached by ClinVar (database versions not stated): gnomAD exomes below 0.00001.
gnomAD v4.1: 19 of 1,610,668 alleles (0.0012%); highest among the groups gnomAD compares: African/African-American, 0.008%; no homozygotes.

Submission:

Labcorp Genetics (formerly Invitae), Labcorp
Classification: Uncertain significance. Last evaluated: 2023-12-11. Review status: criteria provided, single submitter. Criteria: Invitae Variant Classification Sherloc (09022015). Collection method: clinical testing. Allele origin: germline.
Comment: This sequence change replaces glutamic acid, which is acidic and polar, with glutamine, which is neutral and polar, at codon 682 of the C7 protein (p.Glu682Gln). This variant is not present in population databases (gnomAD no frequency). This missense change has been observed in individual(s) with clinical features of complement component C7 deficiency (PMID: 9856499). This variant is also known as E660Q. ClinVar contains an entry for this variant (Variation ID: 2203642). Advanced modeling of protein sequence and biophysical properties (such as structural, functional, and spatial information, amino acid conservation, physicochemical variation, residue mobility, and thermodynamic stability) performed at Invitae indicates that this missense variant is not expected to disrupt C7 protein function with a negative predictive value of 80%. In summary, the available evidence is currently insufficient to determine the role of this variant in disease. Therefore, it has been classified as a Variant of Uncertain Significance.

Literature cited by the submitters: PubMed 9856499.